The following is an entry in ClinVar:

Conditions:
Breast-ovarian cancer, familial, susceptibility to, 1 (BROVCA1). Also called: BRCA1 Hereditary Breast and Ovarian Cancer; OVARIAN CANCER, SUSCEPTIBILITY TO. Identifiers: Orphanet 145, MedGen C2676676, MONDO:0011450, OMIM 604370. Disease mechanism: loss of function.

Submission:

Brotman Baty Institute, University of Washington
No classification provided (evidence only). Condition: Breast-ovarian cancer, familial 1. Review status: no classification provided. Collection method: in vitro. Allele origin: not applicable. Functional consequence: functionally_normal.
ClinVar note: "not provided" was previously submitted as the classification for the variant. However, the classification appeared to be based only on an observation of functional data so it was converted to no classification on 2025-07-30.

NM_007294.4(BRCA1):c.5148T>C (p.Tyr1716=)

Gene: BRCA1 (BRCA1 DNA repair associated; minus strand). Cytogenetic location: 17q21.31.
Variant type: single nucleotide variant.
Coding change: c.5148T>C on transcript NM_007294.4 (MANE Select); coding-DNA position 5148, T replaced by C.
Protein change: p.Tyr1716=; no amino-acid change (tyrosine 1716 retained).
Molecular consequence: synonymous variant. On other transcripts: intron variant (2).
Genome position (GRCh38, 1-based): chr17:43,063,878, A>G on the plus strand (T>C on the coding strand, the complement: BRCA1 is on the minus strand). VCF-style: chr17-43063878-A-G. GRCh37 (hg19) VCF-style: chr17-41215895-A-G.
Other names: c.1713T>C, p.Tyr571= (NM_001408440.1, NM_001408441.1, NM_001408442.1 and 10 more transcripts); c.1710T>C, p.Tyr570= (NM_001408445.1, NM_001408446.1, NM_001408447.1 and 2 more transcripts); c.1704T>C, p.Tyr568= (NM_001408451.1); c.1698T>C, p.Tyr566= (NM_001408452.1, NM_001408453.1, NM_001408454.1 and 3 more transcripts); c.1695T>C, p.Tyr565= (NM_001408458.1, NM_001408459.1, NM_001408460.1 and 7 more transcripts); c.1692T>C, p.Tyr564= (NM_001408468.1, NM_001408469.1, NM_001408470.1); c.1836T>C, p.Tyr612= (NM_001408472.1, NM_007298.4, NM_007299.4 and 13 more transcripts); c.1833T>C, p.Tyr611= (NM_001408473.1, NM_001408392.1, NM_001408396.1 and 8 more transcripts); and 73 more.
Identifiers: ClinVar variation 868712 (VCV000868712.3), dbSNP rs397509230, ClinGen allele CA500146135.